The following is an entry in ClinVar:

NM_001206999.2(CIT):c.2036G>C (p.Arg679Pro)

Gene: CIT (citron rho-interacting serine/threonine kinase; minus strand). Cytogenetic location: 12q24.23.
Variant type: single nucleotide variant.
Coding change: c.2036G>C on transcript NM_001206999.2 (MANE Select); coding-DNA position 2036, G replaced by C.
Protein change: p.Arg679Pro; replaces arginine 679 with proline.
Molecular consequence: missense variant.
Genome position (GRCh38, 1-based): chr12:119,772,816, C>G on the plus strand (G>C on the coding strand, the complement: CIT is on the minus strand). VCF-style: chr12-119772816-C-G. GRCh37 (hg19) VCF-style: chr12-120210620-C-G.
Other names: c.2036G>C, p.Arg679Pro (NM_007174.3); c.2036G>C (NM_001206999.1); short protein forms R679P.
Identifiers: ClinVar variation 1984275 (VCV001984275.4), dbSNP rs377249053, ClinGen allele CA6821895.

ClinVar aggregate classification (germline): Uncertain significance. Review status: criteria provided, multiple submitters, no conflicts (2 of 4 stars). 2 submissions from 2 submitters: Uncertain significance (2). Last evaluated 2025-08-06.

Conditions:
Inborn genetic diseases. Identifiers: MedGen C0950123, MeSH D030342.

Allele frequency attached by ClinVar (database versions not stated): 1000 Genomes Project 0.00040; 1000 Genomes Project 30x 0.00047.
gnomAD v4.1: 26 of 1,614,036 alleles (0.0016%); highest among the groups gnomAD compares: African/African-American, 0.027%; no homozygotes.

Submissions (2):

Ambry Genetics
Classification: Uncertain significance for Inborn genetic diseases. Last evaluated: 2025-08-06. Review status: criteria provided, single submitter. Criteria: Ambry Variant Classification Scheme 2023. Collection method: clinical testing. Allele origin: germline.

Labcorp Genetics (formerly Invitae), Labcorp
Classification: Uncertain significance. Last evaluated: 2022-06-15. Review status: criteria provided, single submitter. Criteria: Invitae Variant Classification Sherloc (09022015). Collection method: clinical testing. Allele origin: germline.
Comment: In summary, the available evidence is currently insufficient to determine the role of this variant in disease. Therefore, it has been classified as a Variant of Uncertain Significance. Algorithms developed to predict the effect of missense changes on protein structure and function are either unavailable or do not agree on the potential impact of this missense change (SIFT: "Deleterious"; PolyPhen-2: "Possibly Damaging"; Align-GVGD: "Class C0"). This variant has not been reported in the literature in individuals affected with CIT-related conditions. This variant is present in population databases (rs377249053, gnomAD 0.03%). This sequence change replaces arginine, which is basic and polar, with proline, which is neutral and non-polar, at codon 679 of the CIT protein (p.Arg679Pro).